The following is an entry in ClinVar:

NM_000334.4(SCN4A):c.3443T>C (p.Val1148Ala)

Genes: SCN4A (sodium voltage-gated channel alpha subunit 4; minus strand), GH-LCR (growth hormone locus control region; plus strand). Cytogenetic location: 17q23.3.
Variant type: single nucleotide variant.
Coding change: c.3443T>C on transcript NM_000334.4 (MANE Select); coding-DNA position 3443, T replaced by C.
Protein change: p.Val1148Ala; replaces valine 1148 with alanine.
Molecular consequence: missense variant.
Genome position (GRCh38, 1-based): chr17:63,945,637, A>G on the plus strand (T>C on the coding strand, the complement: SCN4A is on the minus strand). VCF-style: chr17-63945637-A-G. GRCh37 (hg19) VCF-style: chr17-62022997-A-G.
Other names: short protein forms V1148A.
Identifiers: ClinVar variation 1311678 (VCV001311678.10), dbSNP rs1908692504, ClinGen allele CA400618908.
Genomic context (GRCh38, chr17:63,945,637, plus strand): 5'-AGGCAGACAAGCAGCACATTCATGATGGAGGGGATGGCGCCTAGGAGGGCGTTCACCACC[A>G]CCTGGGGGCCAGGGGGTCCATTGCCAGTGCCTCTCCCAGCCTCTGAGAGAGGGCTCCACA-3'
Protein context (NP_000325.4, residues 1138-1158): RALSRFEGMR[Val1148Ala]VVNALLGAIP

ClinVar aggregate classification (germline): Uncertain significance. Review status: criteria provided, multiple submitters, no conflicts (2 of 4 stars). 3 submissions from 3 submitters: Uncertain significance (3). Last evaluated 2025-11-23.

Conditions:
Hyperkalemic periodic paralysis. Also called: Familial hyperkalemic periodic paralysis; Gamstorp disease. Identifiers: Orphanet 682, MedGen C0238357, MONDO:0008224, OMIM 170500, HP:0007215.

Allele frequency attached by ClinVar (database versions not stated): gnomAD 0.00001; TOPMed 0.00001.
gnomAD v4.1: 2 of 1,613,614 alleles (0.00012%); highest among the groups gnomAD compares: African/African-American, 0.0027%; no homozygotes.

Submissions (3):

Labcorp Genetics (formerly Invitae), Labcorp
Classification: Uncertain significance for Hyperkalemic periodic paralysis. Last evaluated: 2025-11-23. Review status: criteria provided, single submitter. Criteria: Invitae Variant Classification Sherloc (09022015). Collection method: clinical testing. Allele origin: germline.
Comment: This sequence change replaces valine, which is neutral and non-polar, with alanine, which is neutral and non-polar, at codon 1148 of the SCN4A protein (p.Val1148Ala). This variant is not present in population databases (gnomAD no frequency). This variant has not been reported in the literature in individuals affected with SCN4A-related conditions. ClinVar contains an entry for this variant (Variation ID: 1311678). Invitae Evidence Modeling of protein sequence and biophysical properties (such as structural, functional, and spatial information, amino acid conservation, physicochemical variation, residue mobility, and thermodynamic stability) indicates that this missense variant is expected to disrupt SCN4A protein function with a positive predictive value of 80%. In summary, the available evidence is currently insufficient to determine the role of this variant in disease. Therefore, it has been classified as a Variant of Uncertain Significance.

GeneDx
Classification: Uncertain significance. Last evaluated: 2025-09-11. Review status: criteria provided, single submitter. Criteria: GeneDx Variant Classification Process June 2021. Collection method: clinical testing. Allele origin: germline. Affected: yes.
Comment: Not observed at significant frequency in large population cohorts (gnomAD); In silico analysis supports that this missense variant has a deleterious effect on protein structure/function; Has not been previously published as pathogenic or benign to our knowledge

Athena Diagnostics
Classification: Uncertain significance. Last evaluated: 2024-06-06. Review status: criteria provided, single submitter. Criteria: Athena Diagnostics Criteria. Collection method: clinical testing. Allele origin: unknown.
Comment: Available data are insufficient to determine the clinical significance of the variant at this time. The frequency of this variant in the general population is uninformative in assessment of its pathogenicity. Polyphen and MutationTaster predict this amino acid change may be damaging to the protein. Computational tools yielded predictions that this variant may interfere with normal RNA splicing.